The following is an entry in ClinVar:

ClinVar aggregate classification (germline): Conflicting classifications of pathogenicity. Review status: criteria provided, conflicting classifications (1 of 4 stars). 2 submissions from 2 submitters: Uncertain significance (1); Likely benign (1). Last evaluated 2025-11-18.

Conditions:
Cardiovascular phenotype. Identifiers: MedGen CN230736.
Progressive familial heart block type IB (PFHB1B). Identifiers: Orphanet 871, MedGen C1970298, MONDO:0011474, OMIM 604559.

Allele frequency attached by ClinVar (database versions not stated): gnomAD exomes below 0.00001; gnomAD 0.00001; TOPMed 0.00001.
gnomAD v4.1: 9 of 1,614,018 alleles (0.00056%); highest among the groups gnomAD compares: Non-Finnish European, 0.00068%; no homozygotes.

Submissions (2):

Labcorp Genetics (formerly Invitae), Labcorp
Classification: Uncertain significance for Progressive familial heart block type IB. Last evaluated: 2025-11-18. Review status: criteria provided, single submitter. Criteria: Invitae Variant Classification Sherloc (09022015). Collection method: clinical testing. Allele origin: germline.
Comment: This sequence change replaces threonine, which is neutral and polar, with arginine, which is basic and polar, at codon 718 of the TRPM4 protein (p.Thr718Arg). This variant is present in population databases (no rsID available, gnomAD 0.0009%). This variant has not been reported in the literature in individuals affected with TRPM4-related conditions. ClinVar contains an entry for this variant (Variation ID: 1786783). An algorithm developed to predict the effect of missense changes on protein structure and function (PolyPhen-2) suggests that this variant is likely to be tolerated. In summary, the available evidence is currently insufficient to determine the role of this variant in disease. Therefore, it has been classified as a Variant of Uncertain Significance.

Ambry Genetics
Classification: Likely benign for Cardiovascular phenotype. Last evaluated: 2024-12-23. Review status: criteria provided, single submitter. Criteria: Ambry Variant Classification Scheme 2023. Collection method: clinical testing. Allele origin: germline.

NM_017636.4(TRPM4):c.2153C>G (p.Thr718Arg)

Gene: TRPM4 (transient receptor potential cation channel subfamily M member 4; plus strand). Cytogenetic location: 19q13.33.
Variant type: single nucleotide variant.
Coding change: c.2153C>G on transcript NM_017636.4 (MANE Select); coding-DNA position 2153, C replaced by G.
Protein change: p.Thr718Arg; replaces threonine 718 with arginine.
Molecular consequence: missense variant.
Genome position (GRCh38, 1-based): chr19:49,190,716, C>G. VCF-style: chr19-49190716-C-G. GRCh37 (hg19) VCF-style: chr19-49693973-C-G.
Other names: c.2153C>G, p.Thr718Arg (NM_001195227.2); c.1808C>G, p.Thr603Arg (NM_001321281.2); c.545C>G, p.Thr182Arg (NM_001321282.2); c.1631C>G, p.Thr544Arg (NM_001321283.2); c.1091C>G, p.Thr364Arg (NM_001321285.2); short protein forms T544R, T364R, T182R, T603R, T718R.
Identifiers: ClinVar variation 1786783 (VCV001786783.9), dbSNP rs1382962364, ClinGen allele CA406805954.